The following is an entry in ClinVar:

ClinVar aggregate classification (germline): Uncertain significance (1 of 4 stars; one submission).

Submission:

GeneDx
Classification: Uncertain significance. Last evaluated: 2025-05-16. Review status: criteria provided, single submitter. Criteria: GeneDx Variant Classification Process June 2021. Collection method: clinical testing. Allele origin: germline. Affected: yes.
Comment: Not observed at significant frequency in large population cohorts (gnomAD); In silico analysis supports that this missense variant has a deleterious effect on protein structure/function; Has not been previously published as pathogenic or benign to our knowledge

NM_020928.2(ZSWIM6):c.1161G>C (p.Gln387His)

Gene: ZSWIM6 (zinc finger SWIM-type containing 6; plus strand). Cytogenetic location: 5q12.1.
Variant type: single nucleotide variant.
Coding change: c.1161G>C on transcript NM_020928.2 (MANE Select); coding-DNA position 1161, G replaced by C.
Protein change: p.Gln387His; replaces glutamine 387 with histidine.
Molecular consequence: missense variant.
Genome position (GRCh38, 1-based): chr5:61,490,913, G>C. VCF-style: chr5-61490913-G-C. GRCh37 (hg19) VCF-style: chr5-60786740-G-C.
Other names: short protein forms Q387H.
Identifiers: ClinVar variation 4529819 (VCV004529819.1).